The following is an entry in ClinVar:

NM_006940.6(SOX5):c.234T>A (p.Cys78Ter)

Gene: SOX5 (SRY-box transcription factor 5; minus strand). Cytogenetic location: 12p12.1.
Variant type: single nucleotide variant.
Coding change: c.234T>A on transcript NM_006940.6 (MANE Select); coding-DNA position 234, T replaced by A.
Protein change: p.Cys78Ter; replaces cysteine 78 with a stop codon.
Molecular consequence: nonsense. On other transcripts: intron variant (1).
Genome position (GRCh38, 1-based): chr12:23,895,829, A>T on the plus strand (T>A on the coding strand, the complement: SOX5 is on the minus strand). VCF-style: chr12-23895829-A-T. GRCh37 (hg19) VCF-style: chr12-24048763-A-T.
Other names: c.195T>A, p.Cys65Ter (NM_001261414.3, NM_152989.5); c.204T>A, p.Cys68Ter (NM_001261415.3); c.165+69T>A (NM_001330785.2); short protein forms C65*, C68*, C78*.
Identifiers: ClinVar variation 3381758 (VCV003381758.2).
Genomic context (GRCh38, chr12:23,895,829, plus strand): 5'-CACAATAAACCATGAGAAACCTACCATTGTATTGTGCTGAGAAGTGGGAGTCCTATGGCC[A>T]CAAGTCTCTTGCGTCAGCAGAGAAACTGGCTGAAATTCCTCAGAGTGAGGCTTGTTGGGA-3'

ClinVar aggregate classification (germline): Likely pathogenic (1 of 4 stars; one submission).

Conditions:
Lamb-Shaffer syndrome. Identifiers: Orphanet 313884, Orphanet 313892, Orphanet 530983, MedGen C4225202, MONDO:0014778, OMIM 616803.

Submission:

Molecular Genetics Laboratory, Motol Hospital
Classification: Likely pathogenic for Lamb-Shaffer syndrome. Last evaluated: 2024-11-27. Review status: criteria provided, single submitter. Criteria: ACMG Guidelines, 2015. Collection method: clinical testing. Allele origin: germline. Affected: yes. Observed: 1 variant allele.
Comment: Rare truncating variants and deletions affecting the SOX5 gene are documented as a molecular cause of autosomal dominant "Lamb-Shaffer syndrome" (OMIM:616803) (PMID:29214085;31578471;36759900;34365620). To conclude, the variant is classified as likely pathogenic (ACMG PVS1, PM2).

Literature cited by the submitters: PubMed 29214085; PubMed 31578471; PubMed 36759900; PubMed 34365620.